The following is an entry in ClinVar:

NM_015665.6(AAAS):c.123+1G>A

Gene: AAAS (aladin WD repeat nucleoporin; minus strand). Cytogenetic location: 12q13.13.
Variant type: single nucleotide variant.
Coding change: c.123+1G>A on transcript NM_015665.6 (MANE Select); the canonical splice donor site of the intron after coding-DNA position 123, G replaced by A.
Molecular consequence: splice donor variant.
Genome position (GRCh38, 1-based): chr12:53,321,342, C>T on the plus strand (G>A on the coding strand, the complement: AAAS is on the minus strand). VCF-style: chr12-53321342-C-T. GRCh37 (hg19) VCF-style: chr12-53715126-C-T.
Other names: c.123+1G>A (NM_001173466.2).
Identifiers: ClinVar variation 3119846 (VCV003119846.1), dbSNP rs2498644145, ClinGen allele CA385047042.

ClinVar aggregate classification (germline): Likely pathogenic (1 of 4 stars; one submission).

Conditions:
Inborn genetic diseases. Identifiers: MedGen C0950123, MeSH D030342.

Submission:

Ambry Genetics
Classification: Likely pathogenic for Inborn genetic diseases. Last evaluated: 2023-12-11. Review status: criteria provided, single submitter. Criteria: Ambry Variant Classification Scheme 2023. Collection method: clinical testing. Allele origin: germline.
Comment: The c.123+1G>A intronic variant results from a G to A substitution one nucleotide after coding exon 1 of the AAAS gene. Alterations that disrupt the canonical splice site are expected to cause aberrant splicing, resulting in an abnormal protein or a transcript that is subject to nonsense-mediated mRNA decay. This variant was not reported in population-based cohorts in the Genome Aggregation Database (gnomAD). Another alteration impacting the same donor site (c.123+2T>C) has been detected in one individual with achalasia and alacrimia, but not adrenal insufficiency (Milenkovic, 2010). This nucleotide position is highly conserved in available vertebrate species. RNA studies have demonstrated that this alteration results in abnormal splicing in the set of samples tested (Ambry internal data). In silico splice site analysis predicts that this alteration will weaken the native splice donor site. Based on the available evidence, this alteration is classified as likely pathogenic.

Literature cited by the submitters: PubMed 20499090.